The following is an entry in ClinVar:

NM_001164508.2(NEB):c.25297+4C>T

Genes: NEB (nebulin; minus strand), RIF1 (replication timing regulatory factor 1; plus strand). Cytogenetic location: 2q23.3.
Variant type: single nucleotide variant.
Coding change: c.25297+4C>T on transcript NM_001164508.2 (MANE Select); 4 bases into the intron after coding-DNA position 25297, C replaced by T.
Molecular consequence: intron variant.
Genome position (GRCh38, 1-based): chr2:151,490,368, G>A on the plus strand (C>T on the coding strand, the complement: NEB is on the minus strand). VCF-style: chr2-151490368-G-A. GRCh37 (hg19) VCF-style: chr2-152346882-G-A.
Other names: c.19729+4C>T (NM_004543.5); c.25297+4C>T (NM_001164507.2); c.25402+4C>T (NM_001271208.2).
Identifiers: ClinVar variation 1015649 (VCV001015649.6), dbSNP rs1410859190, ClinGen allele CA1298148229.

ClinVar aggregate classification (germline): Uncertain significance. Review status: criteria provided, single submitter (1 of 4 stars). 2 submissions from 2 submitters: Uncertain significance (1). 1 of the submissions does not count toward it. Last evaluated 2020-03-22.

Conditions:
Nemaline myopathy 2 (NEM2). Also called: Nemaline myopathy 2, autosomal recessive. Identifiers: MedGen C1850569, MONDO:0009725, OMIM 256030.

Submissions (2):

Labcorp Genetics (formerly Invitae), Labcorp
Classification: Uncertain significance for Nemaline myopathy 2. Last evaluated: 2020-03-22. Review status: criteria provided, single submitter. Criteria: Invitae Variant Classification Sherloc (09022015). Collection method: clinical testing. Allele origin: germline.
Comment: This sequence change falls in intron 181 of the NEB gene. It does not directly change the encoded amino acid sequence of the NEB protein, but it affects a nucleotide within the consensus splice site of the intron. This variant is not present in population databases (ExAC no frequency). This variant has not been reported in the literature in individuals with NEB-related conditions. Nucleotide substitutions within the consensus splice site are a relatively common cause of aberrant splicing (PMID: 17576681, 9536098). Algorithms developed to predict the effect of sequence changes on RNA splicing suggest that this variant is not likely to affect RNA splicing, but this prediction has not been confirmed by published transcriptional studies. In summary, the available evidence is currently insufficient to determine the role of this variant in disease. Therefore, it has been classified as a Variant of Uncertain Significance.

Natera, Inc.
Classification: Uncertain significance for Nemaline myopathy type 2. Last evaluated: 2021-06-03. Review status: no assertion criteria provided. Collection method: clinical testing. Allele origin: germline. Not counted in ClinVar's aggregate classification.

Literature cited by the submitters: PubMed 17576681 (cited by Labcorp Genetics (formerly Invitae), Labcorp); PubMed 9536098 (cited by Labcorp Genetics (formerly Invitae), Labcorp).